The following is an entry in ClinVar:

ClinVar aggregate classification (germline): Uncertain significance (1 of 4 stars; one submission).

Conditions:
Familial adenomatous polyposis 1 (FAP1). Also called: POLYPOSIS, ADENOMATOUS INTESTINAL; FAMILIAL ADENOMATOUS POLYPOSIS 1, ATTENUATED. Identifiers: MedGen C2713442, MONDO:0021056, OMIM 175100. Disease mechanism: loss of function.

Submission:

Labcorp Genetics (formerly Invitae), Labcorp
Classification: Uncertain significance for Familial adenomatous polyposis 1. Last evaluated: 2019-12-01. Review status: criteria provided, single submitter. Criteria: Invitae Variant Classification Sherloc (09022015). Collection method: clinical testing. Allele origin: germline.
Comment: In summary, the available evidence is currently insufficient to determine the role of this variant in disease. Therefore, it has been classified as a Variant of Uncertain Significance. Algorithms developed to predict the effect of missense changes on protein structure and function are either unavailable or do not agree on the potential impact of this missense change (SIFT: "Tolerated"; PolyPhen-2: "Possibly Damaging"; Align-GVGD: "Class C0"). This variant has not been reported in the literature in individuals with APC-related conditions. This variant is not present in population databases (ExAC no frequency). This sequence change replaces asparagine with tyrosine at codon 942 of the APC protein (p.Asn942Tyr). The asparagine residue is moderately conserved and there is a large physicochemical difference between asparagine and tyrosine.

NM_000038.6(APC):c.2824A>T (p.Asn942Tyr)

Gene: APC (APC regulator of Wnt signaling pathway; plus strand). Cytogenetic location: 5q22.2.
Variant type: single nucleotide variant.
Coding change: c.2824A>T on transcript NM_000038.6 (MANE Select); coding-DNA position 2824, A replaced by T.
Protein change: p.Asn942Tyr; replaces asparagine 942 with tyrosine.
Molecular consequence: missense variant.
Genome position (GRCh38, 1-based): chr5:112,838,418, A>T. VCF-style: chr5-112838418-A-T. GRCh37 (hg19) VCF-style: chr5-112174115-A-T.
Other names: c.2824A>T, p.Asn942Tyr (NM_001127510.3, NM_001354895.2); c.2770A>T, p.Asn924Tyr (NM_001127511.3); c.2878A>T, p.Asn960Tyr (NM_001354896.2); c.2854A>T, p.Asn952Tyr (NM_001354897.2); c.2749A>T, p.Asn917Tyr (NM_001354898.2); c.2740A>T, p.Asn914Tyr (NM_001354899.2); c.2701A>T, p.Asn901Tyr (NM_001354900.2); c.2647A>T, p.Asn883Tyr (NM_001354901.2); and 5 more; short protein forms N816Y, N901Y, N914Y, N924Y, N952Y, N659Y, N851Y, N917Y.
Identifiers: ClinVar variation 853780 (VCV000853780.11), dbSNP rs1765274762, ClinGen allele CA16027491.